The following is an entry in ClinVar:

ClinVar aggregate classification (germline): Likely benign. Review status: criteria provided, multiple submitters, no conflicts (2 of 4 stars). 2 submissions from 2 submitters: Likely benign (2). Last evaluated 2026-06-27.

Conditions:
SLC26A5-related disorder. Also called: SLC26A5-related condition.

Allele frequency attached by ClinVar (database versions not stated): gnomAD 0.00001.
gnomAD v4.1: 19 of 1,613,888 alleles (0.0012%); highest among the groups gnomAD compares: South Asian, 0.0022%; no homozygotes.

Submissions (2):

PreventionGenetics, part of Exact Sciences
Classification: Likely benign for SLC26A5-related condition. Last evaluated: 2026-06-27. Review status: criteria provided, single submitter. Criteria: ACMG Guidelines, 2015. Collection method: clinical testing. Allele origin: germline.
Comment: This variant is classified as likely benign based on ACMG/AMP sequence variant interpretation guidelines (Richards et al. 2015 PMID: 25741868, with internal and published modifications).

Labcorp Genetics (formerly Invitae), Labcorp
Classification: Likely benign. Last evaluated: 2023-03-08. Review status: criteria provided, single submitter. Criteria: Invitae Variant Classification Sherloc (09022015). Collection method: clinical testing. Allele origin: germline.

NM_198999.3(SLC26A5):c.1110C>T (p.Asp370=)

Gene: SLC26A5 (solute carrier family 26 member 5; minus strand). Cytogenetic location: 7q22.1.
Variant type: single nucleotide variant.
Coding change: c.1110C>T on transcript NM_198999.3 (MANE Select); coding-DNA position 1110, C replaced by T.
Protein change: p.Asp370=; no amino-acid change (aspartic acid 370 retained).
Molecular consequence: synonymous variant. On other transcripts: non-coding transcript variant (3), intron variant (1).
Genome position (GRCh38, 1-based): chr7:103,392,928, G>A on the plus strand (C>T on the coding strand, the complement: SLC26A5 is on the minus strand). VCF-style: chr7-103392928-G-A. GRCh37 (hg19) VCF-style: chr7-103033375-G-A.
Other names: c.1110C>T, p.Asp370= (NM_001167962.2, NM_001321787.2, NM_206883.3 and 1 more transcripts); c.971+5004C>T (NM_206885.3); c.1110C>T (NM_198999.2).
Identifiers: ClinVar variation 2998819 (VCV002998819.4), dbSNP rs1255511402, ClinGen allele CA457021948.